The following is an entry in ClinVar:

NM_000093.5(COL5A1):c.950C>A (p.Ala317Asp)

Gene: COL5A1 (collagen type V alpha 1 chain; plus strand). Cytogenetic location: 9q34.3.
Variant type: single nucleotide variant.
Coding change: c.950C>A on transcript NM_000093.5 (MANE Select); coding-DNA position 950, C replaced by A.
Protein change: p.Ala317Asp; replaces alanine 317 with aspartic acid.
Molecular consequence: missense variant.
Genome position (GRCh38, 1-based): chr9:134,730,261, C>A. VCF-style: chr9-134730261-C-A. GRCh37 (hg19) VCF-style: chr9-137622107-C-A.
Other names: c.950C>A, p.Ala317Asp (NM_001278074.1); short protein forms A317D.
Identifiers: ClinVar variation 4635343 (VCV004635343.2).

ClinVar aggregate classification (germline): Uncertain significance. Review status: criteria provided, multiple submitters, no conflicts (2 of 4 stars). 2 submissions from 2 submitters: Uncertain significance (2). Last evaluated 2025-11-04.

Conditions:
Familial thoracic aortic aneurysm and aortic dissection (TAAD). Also called: Thoracic aortic aneurysms and dissections. Identifiers: Orphanet 91387, MedGen C4707243, MONDO:0019625.
Ehlers-Danlos syndrome, classic type, 1 (EDSCL1). Also called: EHLERS-DANLOS SYNDROME, GRAVIS TYPE; EHLERS-DANLOS SYNDROME, SEVERE CLASSIC TYPE; Ehlers-Danlos syndrome, type 1; Ehlers-Danlos Syndrome, Classic Type, COL5A1-Related; EDS I. Identifiers: MedGen C0268335, MONDO:0019567, OMIM 130000.

gnomAD v4.1: 6 of 1,614,108 alleles (0.00037%); highest among the groups gnomAD compares: Non-Finnish European, 0.00051%; no homozygotes.

Submissions (2):

Ambry Genetics
Classification: Uncertain significance for Familial thoracic aortic aneurysm and aortic dissection. Last evaluated: 2025-11-04. Review status: criteria provided, single submitter. Criteria: Ambry Variant Classification Scheme 2023. Collection method: clinical testing. Allele origin: germline.
Comment: The p.A317D variant (also known as c.950C>A), located in coding exon 7 of the COL5A1 gene, results from a C to A substitution at nucleotide position 950. The alanine at codon 317 is replaced by aspartic acid, an amino acid with dissimilar properties. This amino acid position is well conserved in available vertebrate species. In addition, this alteration is predicted to be tolerated by in silico analysis. Based on the available evidence, the clinical significance of this variant remains unclear.

Labcorp Genetics (formerly Invitae), Labcorp
Classification: Uncertain significance for Ehlers-Danlos syndrome, classic type, 1. Last evaluated: 2025-03-05. Review status: criteria provided, single submitter. Criteria: Invitae Variant Classification Sherloc (09022015). Collection method: clinical testing. Allele origin: germline.
Comment: This sequence change replaces alanine, which is neutral and non-polar, with aspartic acid, which is acidic and polar, at codon 317 of the COL5A1 protein (p.Ala317Asp). This variant is not present in population databases (gnomAD no frequency). This variant has not been reported in the literature in individuals affected with COL5A1-related conditions. Invitae Evidence Modeling of protein sequence and biophysical properties (such as structural, functional, and spatial information, amino acid conservation, physicochemical variation, residue mobility, and thermodynamic stability) indicates that this missense variant is not expected to disrupt COL5A1 protein function with a negative predictive value of 95%. In summary, the available evidence is currently insufficient to determine the role of this variant in disease. Therefore, it has been classified as a Variant of Uncertain Significance.